The following is an entry in ClinVar:

NM_152296.5(ATP1A3):c.2128A>C (p.Asn710His)

Gene: ATP1A3 (ATPase Na+/K+ transporting subunit alpha 3; minus strand). Cytogenetic location: 19q13.2.
Variant type: single nucleotide variant.
Coding change: c.2128A>C on transcript NM_152296.5 (MANE Select); coding-DNA position 2128, A replaced by C.
Protein change: p.Asn710His; replaces asparagine 710 with histidine.
Molecular consequence: missense variant.
Genome position (GRCh38, 1-based): chr19:41,975,764, T>G on the plus strand (A>C on the coding strand, the complement: ATP1A3 is on the minus strand). VCF-style: chr19-41975764-T-G. GRCh37 (hg19) VCF-style: chr19-42479916-T-G.
Other names: c.2161A>C, p.Asn721His (NM_001256213.2); c.2167A>C, p.Asn723His (NM_001256214.2); short protein forms N710H, N721H, N723H.
Identifiers: ClinVar variation 2444062 (VCV002444062.1), dbSNP rs2514047289, ClinGen allele CA406042175.

ClinVar aggregate classification (germline): Uncertain significance (1 of 4 stars; one submission).

Conditions:
Dystonia 12 (DYT12). Also called: DYT-ATP1A3; Rapid-Onset Dystonia-Parkinsonism (RDP). Identifiers: Orphanet 71517, MedGen C1868681, MONDO:0007496, OMIM 128235.

Submission:

3billion
Classification: Uncertain significance for Dystonia 12. Last evaluated: 2023-02-23. Review status: criteria provided, single submitter. Criteria: ACMG Guidelines, 2015. Collection method: clinical testing. Allele origin: unknown. Affected: yes.
Comment: The variant is not observed in the gnomAD v2.1.1 dataset. Missense changes are a common disease-causing mechanism. In silico tool predictions suggest damaging effect of the variant on gene or gene product (REVEL: 0.95; 3Cnet: 0.99). Therefore, this variant is classified as VUS according to the recommendation of ACMG/AMP guideline.